The following is an entry in ClinVar:

ClinVar aggregate classification (germline): Likely benign (0 of 4 stars; one submission).

Conditions:
CACNA1I-related disorder. Also called: CACNA1I-related condition.

Allele frequency attached by ClinVar (database versions not stated): 1000 Genomes Project 30x 0.00031; ExAC 0.00038; 1000 Genomes Project 0.00040; gnomAD 0.00059; TOPMed 0.00062; ESP Exome Variant Server 0.00072.
gnomAD v4.1: 1,421 of 1,612,964 alleles (0.088%); highest among the groups gnomAD compares: Non-Finnish European, 0.11%; 1 homozygote.

Submission:

PreventionGenetics, part of Exact Sciences
Classification: Likely benign for CACNA1I-related condition. Last evaluated: 2019-07-25. Review status: no assertion criteria provided. Collection method: clinical testing. Allele origin: germline.
Comment: This variant is classified as likely benign based on ACMG/AMP sequence variant interpretation guidelines (Richards et al. 2015 PMID: 25741868, with internal and published modifications).

NM_021096.4(CACNA1I):c.5475G>A (p.Ser1825=)

Gene: CACNA1I (calcium voltage-gated channel subunit alpha1 I; plus strand). Cytogenetic location: 22q13.1.
Variant type: single nucleotide variant.
Coding change: c.5475G>A on transcript NM_021096.4 (MANE Select); coding-DNA position 5475, G replaced by A.
Protein change: p.Ser1825=; no amino-acid change (serine 1825 retained).
Molecular consequence: synonymous variant.
Genome position (GRCh38, 1-based): chr22:39,679,802, G>A. VCF-style: chr22-39679802-G-A. GRCh37 (hg19) VCF-style: chr22-40075807-G-A.
Other names: c.5370G>A, p.Ser1790= (NM_001003406.2).
Identifiers: ClinVar variation 3049959 (VCV003049959.2), dbSNP rs57098460, ClinGen allele CA10244986.
Genomic context (GRCh38, chr22:39,679,802, plus strand): 5'-CGTCTCTTTAATCATCAAGGACTCCTTGGAGGGGGAGCTGACCATCATCGACAACCTGTC[G>A]GGCTCCATCTTCCACCACTACTCCTCGCCTGCCGGCTGCAAGAAGTGTCACCACGACAAG-3'
Protein context (NP_066919.2, residues 1815-1835): EGELTIIDNL[Ser1825=]GSIFHHYSSP